The following is an entry in ClinVar:

NM_015272.5(RPGRIP1L):c.2523T>C (p.His841=)

Gene: RPGRIP1L (RPGRIP1 like; minus strand). Cytogenetic location: 16q12.2.
Variant type: single nucleotide variant.
Coding change: c.2523T>C on transcript NM_015272.5 (MANE Select); coding-DNA position 2523, T replaced by C.
Protein change: p.His841=; no amino-acid change (histidine 841 retained).
Molecular consequence: synonymous variant.
Genome position (GRCh38, 1-based): chr16:53,645,785, A>G on the plus strand (T>C on the coding strand, the complement: RPGRIP1L is on the minus strand). VCF-style: chr16-53645785-A-G. GRCh37 (hg19) VCF-style: chr16-53679697-A-G.
Other names: c.2523T>C, p.His841= (NM_001127897.4, NM_001308334.3, NM_001330538.2); c.2523T>C (NM_015272.4).
Identifiers: ClinVar variation 728310 (VCV000728310.12), dbSNP rs1598310040, ClinGen allele CA495784555.

ClinVar aggregate classification (germline): Likely benign. Review status: criteria provided, multiple submitters, no conflicts (2 of 4 stars). 3 submissions from 3 submitters: Likely benign (2). 1 of the submissions does not count toward it. Last evaluated 2024-12-11.

Conditions:
COACH syndrome 3. Identifiers: MedGen C5436841, MONDO:0030862, OMIM 619113.
Joubert syndrome 7 (JBTS7). Identifiers: Orphanet 220497, MedGen C1969053, MONDO:0012694, OMIM 611560.
Meckel syndrome, type 5 (MKS5). Identifiers: Orphanet 564, MedGen C1969052, MONDO:0012695, OMIM 611561.
RPGRIP1L-related disorder. Also called: RPGRIP1L-related disorders; RPGRIP1L-related condition. Identifiers: MedGen CN239416.
Joubert syndrome. Also called: JOUBERT-BOLTSHAUSER SYNDROME; Familial aplasia of the vermis. Identifiers: Orphanet 475, MedGen C5979921, MONDO:0018772.
Meckel-Gruber syndrome. Also called: DYSENCEPHALIA SPLANCHNOCYSTICA; GRUBER SYNDROME; Dysencephalia splachnocystica. Identifiers: Orphanet 564, MedGen C0265215, MONDO:0018921.

Allele frequency attached by ClinVar (database versions not stated): gnomAD exomes 0.00001; TOPMed 0.00001.
gnomAD v4.1: 9 of 1,614,188 alleles (0.00056%); highest among the groups gnomAD compares: East Asian, 0.013%; no homozygotes.

Submissions (3):

Labcorp Genetics (formerly Invitae), Labcorp
Classification: Likely benign for Joubert syndrome; Meckel-Gruber syndrome. Last evaluated: 2024-12-11. Review status: criteria provided, single submitter. Criteria: Invitae Variant Classification Sherloc (09022015). Collection method: clinical testing. Allele origin: germline.

Fulgent Genetics
Classification: Likely benign for Joubert syndrome 7; Meckel syndrome, type 5; COACH syndrome 3. Last evaluated: 2022-04-16. Review status: criteria provided, single submitter. Criteria: ACMG Guidelines, 2015. Collection method: clinical testing. Allele origin: unknown.

PreventionGenetics, part of Exact Sciences
Classification: Likely benign for RPGRIP1L-related condition. Last evaluated: 2021-10-29. Review status: no assertion criteria provided. Collection method: clinical testing. Allele origin: germline. Not counted in ClinVar's aggregate classification.
Comment: This variant is classified as likely benign based on ACMG/AMP sequence variant interpretation guidelines (Richards et al. 2015 PMID: 25741868, with internal and published modifications).